The following is an entry in ClinVar:

ClinVar aggregate classification (germline): Uncertain significance (1 of 4 stars; one submission).

Submission:

Ambry Genetics
Classification: Uncertain significance. Last evaluated: 2023-07-14. Review status: criteria provided, single submitter. Criteria: Ambry Variant Classification Scheme 2023. Collection method: clinical testing. Allele origin: germline.
Comment: The p.V282L variant (also known as c.844G>C), located in coding exon 1 of the PALLD gene, results from a G to C substitution at nucleotide position 844. The valine at codon 282 is replaced by leucine, an amino acid with highly similar properties. This amino acid position is conserved. In addition, the in silico prediction for this alteration is inconclusive. Since supporting evidence is limited at this time, the clinical significance of this alteration remains unclear.

NM_001166108.2(PALLD):c.844G>C (p.Val282Leu)

Gene: PALLD (palladin, cytoskeletal associated protein; plus strand). Cytogenetic location: 4q32.3.
Variant type: single nucleotide variant.
Coding change: c.844G>C on transcript NM_001166108.2 (MANE Select); coding-DNA position 844, G replaced by C.
Protein change: p.Val282Leu; replaces valine 282 with leucine.
Molecular consequence: missense variant.
Genome position (GRCh38, 1-based): chr4:168,512,348, G>C. VCF-style: chr4-168512348-G-C. GRCh37 (hg19) VCF-style: chr4-169433499-G-C.
Other names: c.844G>C, p.Val282Leu (NM_016081.4); short protein forms V282L.
Identifiers: ClinVar variation 2625555 (VCV002625555.2), dbSNP rs1762598797, ClinGen allele CA358728500.
Genomic context (GRCh38, chr4:168,512,348, plus strand): 5'-CACAGCGCCCTCCACTTCCCAGCTGCACCTCGATTCATCCAAAAGCTGAGGAGCCAAGAA[G>C]TAGCAGAAGGGAGCCGAGTTTATCTGGAGTGTAGAGTCACTGGAAACCCCACTCCTCGAG-3'
Protein context (NP_001159580.1, residues 272-292): RFIQKLRSQE[Val282Leu]AEGSRVYLEC